The following is an entry in ClinVar:

NM_018941.4(CLN8):c.265C>A (p.Pro89Thr)

Gene: CLN8 (CLN8 transmembrane ER and ERGIC protein; plus strand). Cytogenetic location: 8p23.3.
Variant type: single nucleotide variant.
Coding change: c.265C>A on transcript NM_018941.4 (MANE Select); coding-DNA position 265, C replaced by A.
Protein change: p.Pro89Thr; replaces proline 89 with threonine.
Molecular consequence: missense variant.
Genome position (GRCh38, 1-based): chr8:1,771,319, C>A. VCF-style: chr8-1771319-C-A. GRCh37 (hg19) VCF-style: chr8-1719485-C-A.
Other names: short protein forms P89T.
Identifiers: ClinVar variation 2093462 (VCV002093462.2), dbSNP rs1486320972, ClinGen allele CA369953202.

ClinVar aggregate classification (germline): Uncertain significance (1 of 4 stars; one submission).

Conditions:
Neuronal ceroid lipofuscinosis. Also called: Neuronal Ceroid Lipofuscinoses. Identifiers: Orphanet 216, Orphanet 79263, MedGen C0027877, MONDO:0016295. Disease mechanism: loss of function.

gnomAD v4.1: 1 of 1,614,140 alleles (0.000062%); highest among the groups gnomAD compares: Non-Finnish European, 0.000085%; no homozygotes.

Submission:

Labcorp Genetics (formerly Invitae), Labcorp
Classification: Uncertain significance for Neuronal ceroid lipofuscinosis. Last evaluated: 2023-11-13. Review status: criteria provided, single submitter. Criteria: Invitae Variant Classification Sherloc (09022015). Collection method: clinical testing. Allele origin: germline.
Comment: This sequence change replaces proline, which is neutral and non-polar, with threonine, which is neutral and polar, at codon 89 of the CLN8 protein (p.Pro89Thr). This variant is not present in population databases (gnomAD no frequency). This variant has not been reported in the literature in individuals affected with CLN8-related conditions. ClinVar contains an entry for this variant (Variation ID: 2093462). Advanced modeling of protein sequence and biophysical properties (such as structural, functional, and spatial information, amino acid conservation, physicochemical variation, residue mobility, and thermodynamic stability) performed at Invitae indicates that this missense variant is not expected to disrupt CLN8 protein function with a negative predictive value of 80%. In summary, the available evidence is currently insufficient to determine the role of this variant in disease. Therefore, it has been classified as a Variant of Uncertain Significance.